The following is an entry in ClinVar:

NM_000535.7(PMS2):c.759A>G (p.Glu253=)

Gene: PMS2 (PMS1 homolog 2, mismatch repair system component; minus strand). Cytogenetic location: 7p22.1.
Variant type: single nucleotide variant.
Coding change: c.759A>G on transcript NM_000535.7 (MANE Select); coding-DNA position 759, A replaced by G.
Protein change: p.Glu253=; no amino-acid change (glutamic acid 253 retained).
Molecular consequence: synonymous variant. On other transcripts: 5 prime UTR variant (2), non-coding transcript variant (1).
Genome position (GRCh38, 1-based): chr7:5,997,370, T>C on the plus strand (A>G on the coding strand, the complement: PMS2 is on the minus strand). VCF-style: chr7-5997370-T-C. GRCh37 (hg19) VCF-style: chr7-6037001-T-C.
Other names: c.354A>G, p.Glu118= (NM_001322003.2, NM_001322004.2, NM_001322005.2 and 2 more transcripts); c.759A>G, p.Glu253= (NM_001322006.2, NM_001322014.2); c.441A>G, p.Glu147= (NM_001322007.2, NM_001322008.2); c.-175A>G (NM_001322011.2, NM_001322012.2); c.186A>G, p.Glu62= (NM_001322013.2); c.450A>G, p.Glu150= (NM_001322015.2).
Identifiers: ClinVar variation 480347 (VCV000480347.17), dbSNP rs745720298, ClinGen allele CA051556.

ClinVar aggregate classification (germline): Benign/Likely benign. Review status: criteria provided, multiple submitters, no conflicts (2 of 4 stars). 3 submissions from 3 submitters: Benign (1); Likely benign (2). Last evaluated 2025-01-28.

Conditions:
Hereditary nonpolyposis colorectal neoplasms. Identifiers: MedGen C0009405, MeSH D003123.
Lynch syndrome 4 (LYNCH4). Also called: Colorectal cancer, hereditary nonpolyposis, type 4; Hereditary non-polyposis colorectal cancer, type 4. Identifiers: Orphanet 144, MedGen C1838333, MONDO:0013699, OMIM 614337. Disease mechanism: loss of function.
Hereditary cancer-predisposing syndrome. Also called: Hereditary Cancer Syndrome; Neoplastic Syndromes, Hereditary; Tumor predisposition; Hereditary neoplastic syndrome. Identifiers: Orphanet 140162, MedGen C0027672, MeSH D009386, MONDO:0015356.

Allele frequency attached by ClinVar (database versions not stated): gnomAD exomes below 0.00001; ExAC 0.00001.
gnomAD v4.1: 4 of 1,607,264 alleles (0.00025%); highest among the groups gnomAD compares: South Asian, 0.0022%; no homozygotes.

Submissions (3):

Myriad Genetics, Inc.
Classification: Benign for Lynch syndrome 4. Last evaluated: 2025-01-28. Review status: criteria provided, single submitter. Criteria: Myriad Autosomal Dominant, Autosomal Recessive and X-Linked Classification Criteria (2023). Collection method: clinical testing. Allele origin: unknown.
Comment: This variant is considered benign. This variant is a silent/synonymous amino acid change and it is not expected to impact splicing.

Labcorp Genetics (formerly Invitae), Labcorp
Classification: Likely benign for Hereditary nonpolyposis colorectal neoplasms. Last evaluated: 2024-09-16. Review status: criteria provided, single submitter. Criteria: Invitae Variant Classification Sherloc (09022015). Collection method: clinical testing. Allele origin: germline.

Ambry Genetics
Classification: Likely benign for Hereditary cancer-predisposing syndrome. Last evaluated: 2016-08-30. Review status: criteria provided, single submitter. Criteria: Ambry Variant Classification Scheme 2023. Collection method: clinical testing. Allele origin: germline.